The following is an entry in ClinVar:

ClinVar aggregate classification (germline): Uncertain significance (1 of 4 stars; one submission).

Conditions:
Myofibrillar myopathy 6. Identifiers: Orphanet 199340, MedGen C2751831, MONDO:0013061, OMIM 612954.
Dilated cardiomyopathy 1HH (CMD1HH). Identifiers: Orphanet 154, MedGen C3151293, MONDO:0013479, OMIM 613881.

Submission:

Labcorp Genetics (formerly Invitae), Labcorp
Classification: Uncertain significance for Dilated cardiomyopathy 1HH; Myofibrillar myopathy 6. Last evaluated: 2023-08-11. Review status: criteria provided, single submitter. Criteria: Invitae Variant Classification Sherloc (09022015). Collection method: clinical testing. Allele origin: germline.
Comment: Advanced modeling of protein sequence and biophysical properties (such as structural, functional, and spatial information, amino acid conservation, physicochemical variation, residue mobility, and thermodynamic stability) performed at Invitae indicates that this missense variant is not expected to disrupt BAG3 protein function. This sequence change replaces proline, which is neutral and non-polar, with serine, which is neutral and polar, at codon 292 of the BAG3 protein (p.Pro292Ser). This variant is not present in population databases (gnomAD no frequency). This variant has not been reported in the literature in individuals affected with BAG3-related conditions. In summary, the available evidence is currently insufficient to determine the role of this variant in disease. Therefore, it has been classified as a Variant of Uncertain Significance.

NM_004281.4(BAG3):c.874C>T (p.Pro292Ser)

Gene: BAG3 (BAG cochaperone 3; plus strand). Cytogenetic location: 10q26.11.
Variant type: single nucleotide variant.
Coding change: c.874C>T on transcript NM_004281.4 (MANE Select); coding-DNA position 874, C replaced by T.
Protein change: p.Pro292Ser; replaces proline 292 with serine.
Molecular consequence: missense variant.
Genome position (GRCh38, 1-based): chr10:119,672,621, C>T. VCF-style: chr10-119672621-C-T. GRCh37 (hg19) VCF-style: chr10-121432133-C-T.
Other names: short protein forms P292S.
Identifiers: ClinVar variation 2950929 (VCV002950929.3), dbSNP rs2494014784, ClinGen allele CA378296034.